The following is an entry in ClinVar:

ClinVar aggregate classification (germline): Uncertain significance (1 of 4 stars; one submission).

Conditions:
Anauxetic dysplasia. Identifiers: Orphanet 93347, MedGen C1846796, MONDO:0011773.

Allele frequency attached by ClinVar (database versions not stated): gnomAD 0.00001; TOPMed 0.00002.
gnomAD v4.1: 5 of 700,246 alleles (0.00071%); highest among the groups gnomAD compares: African/African-American, 0.0035%; no homozygotes.

Submission:

Labcorp Genetics (formerly Invitae), Labcorp
Classification: Uncertain significance for Anauxetic dysplasia. Last evaluated: 2025-11-03. Review status: criteria provided, single submitter. Criteria: Invitae Variant Classification Sherloc (09022015). Collection method: clinical testing. Allele origin: germline.
Comment: This variant occurs in the RMRP gene, which encodes an RNA molecule that does not result in a protein product. This variant is present in population databases (no rsID available, gnomAD 0.02%). This variant has not been reported in the literature in individuals affected with RMRP-related conditions. ClinVar contains an entry for this variant (Variation ID: 1899395). Experimental studies and prediction algorithms are not available or were not evaluated, and the functional significance of this variant is currently unknown. In summary, the available evidence is currently insufficient to determine the role of this variant in disease. Therefore, it has been classified as a Variant of Uncertain Significance.

NC_000009.12:g.35657987G>A

Gene: RMRP (RNA component of mitochondrial RNA processing endoribonuclease; minus strand). Cytogenetic location: 9p13.3.
Variant type: single nucleotide variant.
Genome position: GRCh38 VCF-style: chr9-35657987-G-A. GRCh37 (hg19) VCF-style: chr9-35657984-G-A.
Identifiers: ClinVar variation 1899395 (VCV001899395.3), dbSNP rs1284380114, ClinGen allele CA464451012.
Genomic context (GRCh38, chr9:35,657,987, plus strand): 5'-CTGCCCGAGGTCCGGGGACTTTCCCCTAGGCGGAAAGGGGAGGAACAGAGTCCTCAGTGT[G>A]TAGCCTAGGATACAGGCCTTCAGCACGAACCACGTCCTCAGCTTCACAGAGTAGTATTTT-3'